The following is an entry in ClinVar:

NM_001384910.1(GUCA1A):c.235G>A (p.Ala79Thr)

Genes: GUCA1A (guanylate cyclase activator 1A; plus strand), GUCA1ANB-GUCA1A (GUCA1ANB-GUCA1A readthrough; plus strand). Cytogenetic location: 6p21.1.
Variant type: single nucleotide variant.
Coding change: c.235G>A on transcript NM_001384910.1 (MANE Select); coding-DNA position 235, G replaced by A.
Protein change: p.Ala79Thr; replaces alanine 79 with threonine.
Molecular consequence: missense variant.
Genome position (GRCh38, 1-based): chr6:42,178,313, G>A. VCF-style: chr6-42178313-G-A. GRCh37 (hg19) VCF-style: chr6-42146051-G-A.
Other names: c.235G>A, p.Ala79Thr (NM_000409.5, NM_001319061.2, NM_001319062.2); short protein forms A79T.
Identifiers: ClinVar variation 956997 (VCV000956997.8), dbSNP rs1039268397, ClinGen allele CA138137103.

ClinVar aggregate classification (germline): Uncertain significance. Review status: criteria provided, multiple submitters, no conflicts (2 of 4 stars). 2 submissions from 2 submitters: Uncertain significance (2). Last evaluated 2025-07-07.

Allele frequency attached by ClinVar (database versions not stated): TOPMed below 0.00001; gnomAD 0.00001.
gnomAD v4.1: 29 of 1,614,104 alleles (0.0018%); highest among the groups gnomAD compares: Non-Finnish European, 0.0024%; no homozygotes.

Submissions (2):

Labcorp Genetics (formerly Invitae), Labcorp
Classification: Uncertain significance. Last evaluated: 2025-07-07. Review status: criteria provided, single submitter. Criteria: Invitae Variant Classification Sherloc (09022015). Collection method: clinical testing. Allele origin: germline.
Comment: This sequence change replaces alanine with threonine at codon 79 of the GUCA1A protein (p.Ala79Thr). The alanine residue is highly conserved and there is a small physicochemical difference between alanine and threonine. The frequency data for this variant in the population databases is considered unreliable, as metrics indicate poor data quality at this position in the gnomAD database. This variant has not been reported in the literature in individuals affected with GUCA1A-related conditions. ClinVar contains an entry for this variant (Variation ID: 956997). An algorithm developed to predict the effect of missense changes on protein structure and function (PolyPhen-2) suggests that this variant is likely to be disruptive. In summary, the available evidence is currently insufficient to determine the role of this variant in disease. Therefore, it has been classified as a Variant of Uncertain Significance.

Blueprint Genetics
Classification: Uncertain significance. Last evaluated: 2022-06-09. Review status: criteria provided, single submitter. Criteria: ACMG Guidelines, 2015. Collection method: clinical testing. Allele origin: germline.